The following is an entry in ClinVar:

ClinVar aggregate classification (germline): Conflicting classifications of pathogenicity. Review status: criteria provided, conflicting classifications (1 of 4 stars). 3 submissions from 3 submitters: Uncertain significance (2); Likely benign (1). Last evaluated 2025-12-22.

Conditions:
Ehlers-Danlos syndrome (EDS). Identifiers: Orphanet 98249, MedGen C0013720, MONDO:0020066.
Ullrich congenital muscular dystrophy 2 (UCMD2). Identifiers: Orphanet 75840, MedGen C4225314, MONDO:0014654, OMIM 616470.
Bethlem myopathy 2 (BTHLM2). Identifiers: Orphanet 536516, Orphanet 610, MedGen C4225313, MONDO:0034022, OMIM 616471.
Inborn genetic diseases. Identifiers: MedGen C0950123, MeSH D030342.

Allele frequency attached by ClinVar (database versions not stated): gnomAD exomes 0.00001; TOPMed 0.00001; ExAC 0.00002; gnomAD 0.00002.
gnomAD v4.1: 28 of 1,613,960 alleles (0.0017%); highest among the groups gnomAD compares: Non-Finnish European, 0.0023%; no homozygotes.

Submissions (3):

Labcorp Genetics (formerly Invitae), Labcorp
Classification: Likely benign for Bethlem myopathy 2; Ullrich congenital muscular dystrophy 2. Last evaluated: 2025-12-22. Review status: criteria provided, single submitter. Criteria: Invitae Variant Classification Sherloc (09022015). Collection method: clinical testing. Allele origin: germline.

Ambry Genetics
Classification: Uncertain significance for Inborn genetic diseases. Last evaluated: 2024-12-04. Review status: criteria provided, single submitter. Criteria: Ambry Variant Classification Scheme 2023. Collection method: clinical testing. Allele origin: germline.

GeneDx
Classification: Uncertain significance. Last evaluated: 2023-12-21. Review status: criteria provided, single submitter. Criteria: GeneDx Variant Classification Process June 2021. Collection method: clinical testing. Allele origin: germline. Affected: yes.
Comment: Has not been previously published as pathogenic or benign to our knowledge; In silico analysis supports that this missense variant has a deleterious effect on protein structure/function

NM_004370.6(COL12A1):c.5180T>G (p.Ile1727Ser)

Gene: COL12A1 (collagen type XII alpha 1 chain; minus strand). Cytogenetic location: 6q13.
Variant type: single nucleotide variant.
Coding change: c.5180T>G on transcript NM_004370.6 (MANE Select); coding-DNA position 5180, T replaced by G.
Protein change: p.Ile1727Ser; replaces isoleucine 1727 with serine.
Molecular consequence: missense variant.
Genome position (GRCh38, 1-based): chr6:75,138,498, A>C on the plus strand (T>G on the coding strand, the complement: COL12A1 is on the minus strand). VCF-style: chr6-75138498-A-C. GRCh37 (hg19) VCF-style: chr6-75848214-A-C.
Other names: c.1688T>G, p.Ile563Ser (NM_080645.3); short protein forms I1727S, I563S.
Identifiers: ClinVar variation 947604 (VCV000947604.11), dbSNP rs752550335, ClinGen allele CA3893236.
Genomic context (GRCh38, chr6:75,138,498, plus strand): 5'-AAACACCTACGTGTGCGCTCACTGCCAATCAGGTCATCACTTTCTGACTCATCAGGATAG[A>C]TGGCAGTAATGGAAACTTCATAGATGGTGTTGGGGTTCAGGTTTTCGAACACCAAAGTGT-3'
Protein context (NP_004361.3, residues 1717-1737): NTIYEVSITA[Ile1727Ser]YPDESESDDL